The following is an entry in ClinVar:

NM_004260.4(RECQL4):c.2821A>G (p.Thr941Ala)

Gene: RECQL4 (RecQ like helicase 4; minus strand). Cytogenetic location: 8q24.3.
Variant type: single nucleotide variant.
Coding change: c.2821A>G on transcript NM_004260.4 (MANE Select); coding-DNA position 2821, A replaced by G.
Protein change: p.Thr941Ala; replaces threonine 941 with alanine.
Molecular consequence: missense variant. On other transcripts: non-coding transcript variant (3).
Genome position (GRCh38, 1-based): chr8:144,512,706, T>C on the plus strand (A>G on the coding strand, the complement: RECQL4 is on the minus strand). VCF-style: chr8-144512706-T-C. GRCh37 (hg19) VCF-style: chr8-145738089-T-C.
Other names: c.1759A>G, p.Thr587Ala (NM_001413041.1); c.2527A>G, p.Thr843Ala (NM_001413017.1); c.2623A>G, p.Thr875Ala (NM_001413018.1); c.2896A>G, p.Thr966Ala (NM_001413019.1); c.2725A>G, p.Thr909Ala (NM_001413020.1); c.1750A>G, p.Thr584Ala (NM_001413021.1, NM_001413022.1, NM_001413024.1 and 4 more transcripts); c.1825A>G, p.Thr609Ala (NM_001413023.1); c.2692A>G, p.Thr898Ala (NM_001413025.1); and 9 more; short protein forms T452A, T518A, T540A, T562A, T574A, T584A, T587A, T609A.
Identifiers: ClinVar variation 4540240 (VCV004540240.1).

ClinVar aggregate classification (germline): Uncertain significance (1 of 4 stars; one submission).

Submission:

GeneDx
Classification: Uncertain significance. Last evaluated: 2025-06-24. Review status: criteria provided, single submitter. Criteria: GeneDx Variant Classification Process June 2021. Collection method: clinical testing. Allele origin: germline. Affected: yes.
Comment: Not observed at significant frequency in large population cohorts (gnomAD); Has not been previously published as pathogenic or benign to our knowledge; In silico analysis does not support a benign or deleterious effect of this variant on protein structure/function